The following is an entry in ClinVar:

ClinVar aggregate classification (germline): Uncertain significance (1 of 4 stars; one submission).

Submission:

GeneDx
Classification: Uncertain significance. Last evaluated: 2026-02-26. Review status: criteria provided, single submitter. Criteria: GeneDx Variant Classification Process June 2021. Collection method: clinical testing. Allele origin: germline.
Comment: Not observed at significant frequency in large population cohorts (gnomAD); In silico analysis suggests that this missense variant does not alter protein structure/function; Has not been previously published as pathogenic or benign to our knowledge

NM_006939.4(SOS2):c.614C>A (p.Thr205Asn)

Gene: SOS2 (SOS Ras/Rho guanine nucleotide exchange factor 2; minus strand). Cytogenetic location: 14q21.3.
Variant type: single nucleotide variant.
Coding change: c.614C>A on transcript NM_006939.4 (MANE Select); coding-DNA position 614, C replaced by A.
Protein change: p.Thr205Asn; replaces threonine 205 with asparagine.
Molecular consequence: missense variant.
Genome position (GRCh38, 1-based): chr14:50,188,597, G>T on the plus strand (C>A on the coding strand, the complement: SOS2 is on the minus strand). VCF-style: chr14-50188597-G-T. GRCh37 (hg19) VCF-style: chr14-50655315-G-T.
Other names: c.614C>A, p.Thr205Asn (NM_001411020.1); short protein forms T205N.
Identifiers: ClinVar variation 5008118 (VCV005008118.1).